The following is an entry in ClinVar:

ClinVar aggregate classification (germline): Uncertain significance (1 of 4 stars; one submission).

Conditions:
Hereditary diffuse gastric adenocarcinoma (HDGC). Also called: DIFFUSE GASTRIC AND LOBULAR BREAST CANCER SYNDROME. Identifiers: Orphanet 26106, MedGen C1708349, MONDO:0007648, OMIM 137215.

Submission:

Labcorp Genetics (formerly Invitae), Labcorp
Classification: Uncertain significance for Hereditary diffuse gastric adenocarcinoma. Last evaluated: 2025-07-03. Review status: criteria provided, single submitter. Criteria: Invitae Variant Classification Sherloc (09022015). Collection method: clinical testing. Allele origin: germline.
Comment: This sequence change replaces glutamic acid, which is acidic and polar, with glycine, which is neutral and non-polar, at codon 745 of the CDH1 protein (p.Glu745Gly). This variant is not present in population databases (gnomAD no frequency). This variant has not been reported in the literature in individuals affected with CDH1-related conditions. An algorithm developed to predict the effect of missense changes on protein structure and function (PolyPhen-2) suggests that this variant is likely to be disruptive. In summary, the available evidence is currently insufficient to determine the role of this variant in disease. Therefore, it has been classified as a Variant of Uncertain Significance.

NM_004360.5(CDH1):c.2234A>G (p.Glu745Gly)

Gene: CDH1 (cadherin 1; plus strand). Cytogenetic location: 16q22.1.
Variant type: single nucleotide variant.
Coding change: c.2234A>G on transcript NM_004360.5 (MANE Select); coding-DNA position 2234, A replaced by G.
Protein change: p.Glu745Gly; replaces glutamic acid 745 with glycine.
Molecular consequence: missense variant.
Genome position (GRCh38, 1-based): chr16:68,828,243, A>G. VCF-style: chr16-68828243-A-G. GRCh37 (hg19) VCF-style: chr16-68862146-A-G.
Other names: c.2051A>G, p.Glu684Gly (NM_001317184.2); c.686A>G, p.Glu229Gly (NM_001317185.2); c.269A>G, p.Glu90Gly (NM_001317186.2); short protein forms E229G, E745G, E684G, E90G.
Identifiers: ClinVar variation 4722610 (VCV004722610.1).